The following is an entry in ClinVar:

NM_001042492.3(NF1):c.7938C>T (p.Ala2646=)

Gene: NF1 (neurofibromin 1; plus strand). Cytogenetic location: 17q11.2.
Variant type: single nucleotide variant.
Coding change: c.7938C>T on transcript NM_001042492.3 (MANE Select); coding-DNA position 7938, C replaced by T.
Protein change: p.Ala2646=; no amino-acid change (alanine 2646 retained).
Molecular consequence: synonymous variant.
Genome position (GRCh38, 1-based): chr17:31,357,337, C>T. VCF-style: chr17-31357337-C-T. GRCh37 (hg19) VCF-style: chr17-29684355-C-T.
Other names: c.7875C>T, p.Ala2625= (NM_000267.4).
Identifiers: ClinVar variation 2120163 (VCV002120163.5), dbSNP rs1487656380, ClinGen allele CA499340863.

ClinVar aggregate classification (germline): Benign/Likely benign. Review status: criteria provided, multiple submitters, no conflicts (2 of 4 stars). 2 submissions from 2 submitters: Benign (1); Likely benign (1). Last evaluated 2026-05-22.

Conditions:
Neurofibromatosis, type 1 (NF1). Also called: Neurofibromatosis, type I; NEUROFIBROMATOSIS, TYPE I, SOMATIC; VON RECKLINGHAUSEN DISEASE; Peripheral type neurofibromatosis. Identifiers: Orphanet 636, MedGen C0027831, MONDO:0018975, OMIM 162200. Disease mechanism: loss of function.

gnomAD v4.1: 1 of 1,613,806 alleles (0.000062%); no homozygotes.

Submissions (2):

Myriad Genetics, Inc.
Classification: Benign for Neurofibromatosis, type 1. Last evaluated: 2026-05-22. Review status: criteria provided, single submitter. Criteria: Myriad Autosomal Dominant, Autosomal Recessive and X-Linked Classification Criteria (2023). Collection method: clinical testing. Allele origin: unknown.
Comment: This variant is considered benign. This variant is a silent/synonymous amino acid change and it is not expected to impact splicing.

Labcorp Genetics (formerly Invitae), Labcorp
Classification: Likely benign for Neurofibromatosis, type 1. Last evaluated: 2024-09-23. Review status: criteria provided, single submitter. Criteria: Invitae Variant Classification Sherloc (09022015). Collection method: clinical testing. Allele origin: germline.